The following is an entry in ClinVar:

ClinVar aggregate classification (germline): Likely pathogenic (1 of 4 stars; one submission).

Conditions:
COL1A2-related disorder. Also called: COL1A2-related condition; COL1A2-Related Disorders.

Submission:

PreventionGenetics, part of Exact Sciences
Classification: Likely pathogenic for COL1A2-related condition. Last evaluated: 2023-02-11. Review status: criteria provided, single submitter. Criteria: ACMG Guidelines, 2015. Collection method: clinical testing. Allele origin: germline.
Comment: The COL1A2 c.3161G>T variant is predicted to result in the amino acid substitution p.Gly1054Val. To our knowledge, this variant has not been reported in the literature or in a large population database, indicating this variant is rare. The p.Gly1054 residue is located in the conserved Gly-Xaa-Yaa triple helical domain where substitutions of a glycine are usually pathogenic (Marini et al. 2007. PubMed ID: 17078022). This variant is interpreted as likely pathogenic.

NM_000089.4(COL1A2):c.3161G>T (p.Gly1054Val)

Gene: COL1A2 (collagen type I alpha 2 chain; plus strand). Cytogenetic location: 7q21.3.
Variant type: single nucleotide variant.
Coding change: c.3161G>T on transcript NM_000089.4 (MANE Select); coding-DNA position 3161, G replaced by T.
Protein change: p.Gly1054Val; replaces glycine 1054 with valine.
Molecular consequence: missense variant.
Genome position (GRCh38, 1-based): chr7:94,427,189, G>T. VCF-style: chr7-94427189-G-T. GRCh37 (hg19) VCF-style: chr7-94056501-G-T.
Other names: short protein forms G1054V.
Identifiers: ClinVar variation 2630387 (VCV002630387.1), dbSNP rs2484737562, ClinGen allele CA368225406.